The following is an entry in ClinVar:

ClinVar aggregate classification (germline): Uncertain significance (1 of 4 stars; one submission).

Allele frequency attached by ClinVar (database versions not stated): gnomAD 0.00001.
gnomAD v4.1: 10 of 1,607,900 alleles (0.00062%); highest among the groups gnomAD compares: Non-Finnish European, 0.00085%; no homozygotes.

Submission:

Ambry Genetics
Classification: Uncertain significance. Last evaluated: 2023-11-03. Review status: criteria provided, single submitter. Criteria: Ambry Variant Classification Scheme 2023. Collection method: clinical testing. Allele origin: germline.
Comment: The p.P326S variant (also known as c.976C>T), located in coding exon 7 of the BUB3 gene, results from a C to T substitution at nucleotide position 976. The proline at codon 326 is replaced by serine, an amino acid with similar properties. This amino acid position is conserved. In addition, this alteration is predicted to be tolerated by in silico analysis. Since supporting evidence is limited at this time, the clinical significance of this alteration remains unclear.

NM_004725.4(BUB3):c.976C>T (p.Pro326Ser)

Gene: BUB3 (BUB3 mitotic checkpoint protein; plus strand). Cytogenetic location: 10q26.13.
Variant type: single nucleotide variant.
Coding change: c.976C>T on transcript NM_004725.4 (MANE Select); coding-DNA position 976, C replaced by T.
Protein change: p.Pro326Ser; replaces proline 326 with serine.
Molecular consequence: missense variant. On other transcripts: intron variant (1).
Genome position (GRCh38, 1-based): chr10:123,163,824, C>T. VCF-style: chr10-123163824-C-T. GRCh37 (hg19) VCF-style: chr10-124923340-C-T.
Other names: c.971+996C>T (NM_001007793.3); short protein forms P326S.
Identifiers: ClinVar variation 1768133 (VCV001768133.2), dbSNP rs1420655299, ClinGen allele CA378627348.